The following is an entry in ClinVar:

ClinVar aggregate classification (germline): Likely pathogenic (1 of 4 stars; one submission).

Conditions:
Long QT syndrome (LQTS). Identifiers: MedGen C0023976, MeSH D008133, MONDO:0002442. Disease mechanism: loss of function. Inheritance: Various modes of inheritance.

Submission:

Labcorp Genetics (formerly Invitae), Labcorp
Classification: Likely pathogenic for Long QT syndrome. Last evaluated: 2017-11-24. Review status: criteria provided, single submitter. Criteria: Invitae Variant Classification Sherloc (09022015). Collection method: clinical testing. Allele origin: germline.
Comment: In summary, the currently available evidence indicates that the variant is pathogenic, but additional data are needed to prove that conclusively. Therefore, this variant has been classified as Likely Pathogenic. Loss-of-function variants in KCNH2 are known to be pathogenic (PMID: 19862833). This variant has not been reported in the literature in individuals with KCNH2-related disease. This variant is a gross duplication of the genomic region encompassing exons 6-13 of the KCNH2 gene. While the exact position of the duplicated exons cannot be determined from this data, sub-genic duplications are generally in tandem (PMID: 25640679) and may result in an absent or disrupted protein product.

Literature cited by the submitters: PubMed 19862833; PubMed 25640679.

NC_000007.13:g.(?_150644396)_(150649961_?)dup

Gene: KCNH2 (potassium voltage-gated channel subfamily H member 2; minus strand). Cytogenetic location: 7q36.1.
Variant type: Duplication.
Identifiers: ClinVar variation 527123 (VCV000527123.3).